The following is an entry in ClinVar:

NM_000138.5(FBN1):c.1575del (p.Thr526fs)

Gene: FBN1 (fibrillin 1; minus strand). Cytogenetic location: 15q21.1.
Variant type: Deletion.
Coding change: c.1575del on transcript NM_000138.5 (MANE Select); coding-DNA position 1575, one base deleted (G; older notation c.1575delG).
Protein change: p.Thr526fs; shifts the reading frame from threonine 526.
Molecular consequence: frameshift variant.
Genome position (GRCh38, 1-based): chr15:48,513,562, C deleted on the plus strand (G on the coding strand, the reverse complement: FBN1 is on the minus strand); the first of 2 consecutive C bases (chr15:48,513,562-48,513,563); deleting either gives the same sequence. VCF-style (leftmost placement, unchanged base first): chr15-48513561-TC-T. GRCh37 (hg19) VCF-style: chr15-48805758-TC-T.
Other names: short protein forms T526fs.
Identifiers: ClinVar variation 549026 (VCV000549026.18), dbSNP rs1555400268, ClinGen allele CA658824478.

ClinVar aggregate classification (germline): Pathogenic. Review status: criteria provided, single submitter (1 of 4 stars). 2 submissions from 2 submitters: Pathogenic (1). 1 of the submissions does not count toward it. Last evaluated 2021-03-01.

Conditions:
Marfan syndrome (MFS). Also called: Marfan syndrome type 1; Marfan syndrome, classic; Marfan's syndrome; FBN1-Related Marfan Syndrome; MARFAN SYNDROME, TYPE I. Identifiers: Orphanet 284963, Orphanet 558, MedGen C0024796, MONDO:0007947, OMIM 154700.

Submissions (2):

Centre of Medical Genetics, University of Antwerp
Classification: Pathogenic for Marfan syndrome. Last evaluated: 2021-03-01. Review status: criteria provided, single submitter. Criteria: Submitter's publication. Collection method: research. Allele origin: unknown. Affected: yes.
Comment: PM2, PVS1, PP4

Center for Medical Genetics Ghent, University of Ghent
Classification: Pathogenic for Marfan syndrome. Last evaluated: 2017-11-07. Review status: no assertion criteria provided. Collection method: clinical testing. Allele origin: germline. Affected: yes. Not counted in ClinVar's aggregate classification.